The following is an entry in ClinVar:

ClinVar aggregate classification (germline): Uncertain significance (1 of 4 stars; one submission).

gnomAD v4.1: 1 of 1,613,904 alleles (0.000062%); highest among the groups gnomAD compares: South Asian, 0.0011%; no homozygotes.

Submission:

Labcorp Genetics (formerly Invitae), Labcorp
Classification: Uncertain significance. Last evaluated: 2024-06-22. Review status: criteria provided, single submitter. Criteria: Invitae Variant Classification Sherloc (09022015). Collection method: clinical testing. Allele origin: germline.
Comment: This sequence change replaces serine, which is neutral and polar, with leucine, which is neutral and non-polar, at codon 363 of the MKL1 protein (p.Ser363Leu). This variant is not present in population databases (gnomAD no frequency). This variant has not been reported in the literature in individuals affected with MKL1-related conditions. An algorithm developed to predict the effect of missense changes on protein structure and function (PolyPhen-2) suggests that this variant is likely to be tolerated. In summary, the available evidence is currently insufficient to determine the role of this variant in disease. Therefore, it has been classified as a Variant of Uncertain Significance.

NM_020831.6(MRTFA):c.1388C>T (p.Ser463Leu)

Gene: MRTFA (myocardin related transcription factor A; minus strand). Cytogenetic location: 22q13.1.
Variant type: single nucleotide variant.
Coding change: c.1388C>T on transcript NM_020831.6 (MANE Select); coding-DNA position 1388, C replaced by T.
Protein change: p.Ser463Leu; replaces serine 463 with leucine.
Molecular consequence: missense variant.
Genome position (GRCh38, 1-based): chr22:40,419,350, G>A on the plus strand (C>T on the coding strand, the complement: MRTFA is on the minus strand). VCF-style: chr22-40419350-G-A. GRCh37 (hg19) VCF-style: chr22-40815354-G-A.
Other names: c.1088C>T, p.Ser363Leu (NM_001282660.2); c.1238C>T, p.Ser413Leu (NM_001282661.3); c.1388C>T, p.Ser463Leu (NM_001282662.3); c.1193C>T, p.Ser398Leu (NM_001318139.2); short protein forms S363L, S398L, S413L, S463L.
Identifiers: ClinVar variation 3624701 (VCV003624701.2).